The following is an entry in ClinVar:

ClinVar aggregate classification (germline): Uncertain significance (1 of 4 stars; one submission).

Conditions:
Inborn genetic diseases. Identifiers: MedGen C0950123, MeSH D030342.

Submission:

Ambry Genetics
Classification: Uncertain significance for Inborn genetic diseases. Last evaluated: 2023-07-27. Review status: criteria provided, single submitter. Criteria: Ambry Variant Classification Scheme 2023. Collection method: clinical testing. Allele origin: germline.
Comment: The p.L1026V variant (also known as c.3076C>G), located in coding exon 20 of the PIK3CA gene, results from a C to G substitution at nucleotide position 3076. The leucine at codon 1026 is replaced by valine, an amino acid with highly similar properties. This amino acid position is conserved. In addition, this alteration is predicted to be deleterious by in silico analysis. Since supporting evidence is limited at this time, the clinical significance of this alteration remains unclear.

NM_006218.4(PIK3CA):c.3076C>G (p.Leu1026Val)

Gene: PIK3CA (phosphatidylinositol-4,5-bisphosphate 3-kinase catalytic subunit alpha; plus strand). Cytogenetic location: 3q26.32.
Variant type: single nucleotide variant.
Coding change: c.3076C>G on transcript NM_006218.4 (MANE Select); coding-DNA position 3076, C replaced by G.
Protein change: p.Leu1026Val; replaces leucine 1026 with valine.
Molecular consequence: missense variant.
Genome position (GRCh38, 1-based): chr3:179,234,233, C>G. VCF-style: chr3-179234233-C-G. GRCh37 (hg19) VCF-style: chr3-178952021-C-G.
Other names: short protein forms L1026V.
Identifiers: ClinVar variation 2587511 (VCV002587511.2), dbSNP rs2108429587, ClinGen allele CA355285563.